The following is an entry in ClinVar:

ClinVar aggregate classification (germline): Uncertain significance (1 of 4 stars; one submission).

Conditions:
CNR1-related disorder. Also called: CNR1-related condition.

Submission:

PreventionGenetics, part of Exact Sciences
Classification: Uncertain significance for CNR1-related condition. Last evaluated: 2026-05-08. Review status: criteria provided, single submitter. Criteria: ACMG Guidelines, 2015. Collection method: clinical testing. Allele origin: germline.
Comment: The CNR1 c.661C>T variant is predicted to result in the amino acid substitution p.Pro221Ser. To our knowledge, this variant has not been reported in the literature or in a large population database (gnomAD), indicating this variant is rare. At this time, the clinical significance of this variant is uncertain due to the absence of conclusive functional and genetic evidence.

NM_016083.6(CNR1):c.661C>T (p.Pro221Ser)

Gene: CNR1 (cannabinoid receptor 1; minus strand). Cytogenetic location: 6q15.
Variant type: single nucleotide variant.
Coding change: c.661C>T on transcript NM_016083.6 (MANE Select); coding-DNA position 661, C replaced by T.
Protein change: p.Pro221Ser; replaces proline 221 with serine.
Molecular consequence: missense variant.
Genome position (GRCh38, 1-based): chr6:88,144,614, G>A on the plus strand (C>T on the coding strand, the complement: CNR1 is on the minus strand). VCF-style: chr6-88144614-G-A. GRCh37 (hg19) VCF-style: chr6-88854333-G-A.
Other names: c.661C>T, p.Pro221Ser (NM_001160226.3, NM_001160258.3, NM_001160259.3 and 12 more transcripts); c.562C>T, p.Pro188Ser (NM_033181.4); short protein forms P188S, P221S.
Identifiers: ClinVar variation 4991492 (VCV004991492.1).